The following is an entry in ClinVar:

NM_000081.4(LYST):c.7168C>T (p.Gln2390Ter)

Gene: LYST (lysosomal trafficking regulator; minus strand). Cytogenetic location: 1q42.3.
Variant type: single nucleotide variant.
Coding change: c.7168C>T on transcript NM_000081.4 (MANE Select); coding-DNA position 7168, C replaced by T.
Protein change: p.Gln2390Ter; replaces glutamine 2390 with a stop codon.
Molecular consequence: nonsense.
Genome position (GRCh38, 1-based): chr1:235,755,539, G>A on the plus strand (C>T on the coding strand, the complement: LYST is on the minus strand). VCF-style: chr1-235755539-G-A. GRCh37 (hg19) VCF-style: chr1-235918839-G-A.
Other names: c.7168C>T, p.Gln2390Ter (NM_001301365.1); short protein forms Q2390*.
Identifiers: ClinVar variation 2008485 (VCV002008485.4), dbSNP rs2527761127, ClinGen allele CA344934512.

ClinVar aggregate classification (germline): Pathogenic (1 of 4 stars; one submission).

Conditions:
Chédiak-Higashi syndrome (CHS). Also called: Chediak-Higashi Syndrome. Identifiers: Orphanet 167, MedGen C0007965, MONDO:0008963, OMIM 214500.

Submission:

Labcorp Genetics (formerly Invitae), Labcorp
Classification: Pathogenic for Chédiak-Higashi syndrome. Last evaluated: 2022-09-26. Review status: criteria provided, single submitter. Criteria: Invitae Variant Classification Sherloc (09022015). Collection method: clinical testing. Allele origin: germline.
Comment: This sequence change creates a premature translational stop signal (p.Gln2390*) in the LYST gene. It is expected to result in an absent or disrupted protein product. Loss-of-function variants in LYST are known to be pathogenic (PMID: 9215679, 11857544). This variant is not present in population databases (gnomAD no frequency). This variant has not been reported in the literature in individuals affected with LYST-related conditions. For these reasons, this variant has been classified as Pathogenic.

Literature cited by the submitters: PubMed 9215679; PubMed 11857544.